The following is an entry in ClinVar:

ClinVar aggregate classification (germline): Pathogenic (1 of 4 stars; one submission).

Conditions:
Maple syrup urine disease type 1A (MSUD1A). Also called: MSUD type 1A. Identifiers: MedGen C1855369, MONDO:0023691, OMIM 248600.

Submission:

Myriad Genetics, Inc.
Classification: Pathogenic for Maple syrup urine disease type 1A. Last evaluated: 2024-07-01. Review status: criteria provided, single submitter. Criteria: Myriad Autosomal Dominant, Autosomal Recessive and X-Linked Classification Criteria (2023). Collection method: clinical testing. Allele origin: unknown.
Comment: NM_000709.3(BCKDHA):c.287delA(H96Pfs*8) is expected to be pathogenic in the context of maple syrup urine disease type Ia. This variant is predicted to lead to an abnormal or absent protein product due to the creation of a premature termination codon in BCKDHA, a gene where loss-of-function variants are known to be pathogenic. Please note: this variant was assessed in the context of healthy population screening.

NM_000709.4(BCKDHA):c.287del (p.His96fs)

Gene: BCKDHA (branched chain keto acid dehydrogenase E1 subunit alpha; plus strand). Cytogenetic location: 19q13.2.
Variant type: Deletion.
Coding change: c.287del on transcript NM_000709.4 (MANE Select); coding-DNA position 287, one base deleted (A; older notation c.287delA).
Protein change: p.His96fs; shifts the reading frame from histidine 96.
Molecular consequence: frameshift variant.
Genome position (GRCh38, 1-based): chr19:41,410,815, A deleted. VCF-style (leftmost placement, unchanged base first): chr19-41410814-CA-C. GRCh37 (hg19) VCF-style: chr19-41916719-CA-C.
Other names: c.287del, p.His96fs (NM_001164783.2); short protein forms H96fs.
Identifiers: ClinVar variation 5013262 (VCV005013262.1).